The following is an entry in ClinVar:

NM_001006658.3(CR2):c.2506C>T (p.Pro836Ser)

Gene: CR2 (complement C3d receptor 2; plus strand). Cytogenetic location: 1q32.2.
Variant type: single nucleotide variant.
Coding change: c.2506C>T on transcript NM_001006658.3 (MANE Select); coding-DNA position 2506, C replaced by T.
Protein change: p.Pro836Ser; replaces proline 836 with serine.
Molecular consequence: missense variant.
Genome position (GRCh38, 1-based): chr1:207,475,006, C>T. VCF-style: chr1-207475006-C-T. GRCh37 (hg19) VCF-style: chr1-207648351-C-T.
Other names: c.2329C>T, p.Pro777Ser (NM_001877.5); short protein forms P836S, P777S.
Identifiers: ClinVar variation 540311 (VCV000540311.6), dbSNP rs147263584, ClinGen allele CA1368989.

ClinVar aggregate classification (germline): Uncertain significance (1 of 4 stars; one submission).

Conditions:
Immunodeficiency, common variable, 7. Identifiers: Orphanet 1572, Orphanet 696894, MedGen C3542922, MONDO:0013862, OMIM 614699.

Allele frequency attached by ClinVar (database versions not stated): TOPMed 0.00002; ESP Exome Variant Server 0.00008; gnomAD 0.00003; gnomAD exomes 0.00004; ExAC 0.00005.
gnomAD v4.1: 90 of 1,613,964 alleles (0.0056%); highest among the groups gnomAD compares: Non-Finnish European, 0.0072%; no homozygotes.

Submission:

Labcorp Genetics (formerly Invitae), Labcorp
Classification: Uncertain significance for Immunodeficiency, common variable, 7. Last evaluated: 2021-08-28. Review status: criteria provided, single submitter. Criteria: Invitae Variant Classification Sherloc (09022015). Collection method: clinical testing. Allele origin: germline.
Comment: This sequence change replaces proline with serine at codon 836 of the CR2 protein (p.Pro836Ser). The proline residue is highly conserved and there is a moderate physicochemical difference between proline and serine. This variant is present in population databases (rs147263584, ExAC 0.009%). This variant has not been reported in the literature in individuals affected with CR2-related conditions. Algorithms developed to predict the effect of missense changes on protein structure and function are either unavailable or do not agree on the potential impact of this missense change (SIFT: "Tolerated"; PolyPhen-2: "Probably Damaging"; Align-GVGD: "Class C0"). In summary, the available evidence is currently insufficient to determine the role of this variant in disease. Therefore, it has been classified as a Variant of Uncertain Significance.